The following is an entry in ClinVar:

NM_020919.4(ALS2):c.2386G>C (p.Gly796Arg)

Gene: ALS2 (alsin Rho guanine nucleotide exchange factor ALS2; minus strand). Cytogenetic location: 2q33.1.
Variant type: single nucleotide variant.
Coding change: c.2386G>C on transcript NM_020919.4 (MANE Select); coding-DNA position 2386, G replaced by C.
Protein change: p.Gly796Arg; replaces glycine 796 with arginine.
Molecular consequence: missense variant.
Genome position (GRCh38, 1-based): chr2:201,738,701, C>G on the plus strand (G>C on the coding strand, the complement: ALS2 is on the minus strand). VCF-style: chr2-201738701-C-G. GRCh37 (hg19) VCF-style: chr2-202603424-C-G.
Other names: short protein forms G796R.
Identifiers: ClinVar variation 1372838 (VCV001372838.6), dbSNP rs2106035788, ClinGen allele CA350324383.

ClinVar aggregate classification (germline): Uncertain significance (1 of 4 stars; one submission).

Conditions:
Infantile-onset ascending hereditary spastic paralysis (IAHSP). Also called: Infantile-Onset Ascending Hereditary Spastic Paralysis (IAHSP); Autosomal Recessive Juvenile Amyotrophic Lateral Sclerosis. Identifiers: Orphanet 293168, MedGen C2931441, MONDO:0011797, OMIM 607225. Disease mechanism: loss of function.

Submission:

Labcorp Genetics (formerly Invitae), Labcorp
Classification: Uncertain significance for Infantile-onset ascending hereditary spastic paralysis. Last evaluated: 2021-08-05. Review status: criteria provided, single submitter. Criteria: Invitae Variant Classification Sherloc (09022015). Collection method: clinical testing. Allele origin: germline.
Comment: In summary, the available evidence is currently insufficient to determine the role of this variant in disease. Therefore, it has been classified as a Variant of Uncertain Significance. Algorithms developed to predict the effect of missense changes on protein structure and function are either unavailable or do not agree on the potential impact of this missense change (SIFT: "Deleterious"; PolyPhen-2: "Probably Damaging"; Align-GVGD: "Class C0"). This variant has not been reported in the literature in individuals affected with ALS2-related conditions. This variant is not present in population databases (ExAC no frequency). This sequence change replaces glycine with arginine at codon 796 of the ALS2 protein (p.Gly796Arg). The glycine residue is moderately conserved and there is a moderate physicochemical difference between glycine and arginine.